The following is an entry in ClinVar:

ClinVar aggregate classification (germline): Uncertain significance (1 of 4 stars; one submission).

Conditions:
Severe combined immunodeficiency, autosomal recessive, T cell-negative, B cell-negative, NK cell-positive. Also called: SCID, AR, T-cell negative, B-cell negative, NK cell-positive; SCID, T CELL-NEGATIVE, B CELL-NEGATIVE, NK CELL-POSITIVE; Severe combined immunodeficiency due to complete RAG1/2 deficiency. Identifiers: Orphanet 331206, MedGen C1832322, MONDO:0011086, OMIM 601457.
Combined immunodeficiency with skin granulomas. Identifiers: Orphanet 157949, MedGen C2673536, MONDO:0009306, OMIM 233650.

Allele frequency attached by ClinVar (database versions not stated): gnomAD 0.00001.
gnomAD v4.1: 1 of 1,614,022 alleles (0.000062%); highest among the groups gnomAD compares: Non-Finnish European, 0.000085%; no homozygotes.

Submission:

Labcorp Genetics (formerly Invitae), Labcorp
Classification: Uncertain significance for Combined immunodeficiency with skin granulomas; Severe combined immunodeficiency, autosomal recessive, T cell-negative, B cell-negative, NK cell-positive. Last evaluated: 2022-10-12. Review status: criteria provided, single submitter. Criteria: Invitae Variant Classification Sherloc (09022015). Collection method: clinical testing. Allele origin: germline.
Comment: This sequence change replaces glutamic acid, which is acidic and polar, with glycine, which is neutral and non-polar, at codon 579 of the RAG1 protein (p.Glu579Gly). This variant is not present in population databases (gnomAD no frequency). This variant has not been reported in the literature in individuals affected with RAG1-related conditions. Advanced modeling of protein sequence and biophysical properties (such as structural, functional, and spatial information, amino acid conservation, physicochemical variation, residue mobility, and thermodynamic stability) performed at Invitae indicates that this missense variant is not expected to disrupt RAG1 protein function. In summary, the available evidence is currently insufficient to determine the role of this variant in disease. Therefore, it has been classified as a Variant of Uncertain Significance.

NM_000448.3(RAG1):c.1736A>G (p.Glu579Gly)

Gene: RAG1 (recombination activating 1; plus strand). Cytogenetic location: 11p12.
Variant type: single nucleotide variant.
Coding change: c.1736A>G on transcript NM_000448.3 (MANE Select); coding-DNA position 1736, A replaced by G.
Protein change: p.Glu579Gly; replaces glutamic acid 579 with glycine.
Molecular consequence: missense variant.
Genome position (GRCh38, 1-based): chr11:36,575,040, A>G. VCF-style: chr11-36575040-A-G. GRCh37 (hg19) VCF-style: chr11-36596590-A-G.
Other names: c.1736A>G, p.Glu579Gly (NM_001377277.1, NM_001377278.1, NM_001377279.1 and 1 more transcripts); short protein forms E579G.
Identifiers: ClinVar variation 1899316 (VCV001899316.2), dbSNP rs1850819583, ClinGen allele CA380153180.